The following is an entry in ClinVar:

ClinVar aggregate classification (germline): Benign. Review status: criteria provided, multiple submitters, no conflicts (2 of 4 stars). 4 submissions from 3 submitters: Benign (4). Last evaluated 2018-06-30.

Conditions:
Muscular dystrophy-dystroglycanopathy (congenital with brain and eye anomalies), type A6. Also called: MUSCULAR DYSTROPHY-DYSTROGLYCANOPATHY (CONGENITAL WITH BRAIN AND EYE ANOMALIES), TYPE A, 6; WALKER-WARBURG SYNDROME OR MUSCLE-EYE-BRAIN DISEASE, LARGE-RELATED. Identifiers: Orphanet 588, Orphanet 899, MedGen C3150414, MONDO:0013158, OMIM 613154.
Muscular dystrophy-dystroglycanopathy type B6 (MDDGB6). Also called: MUSCULAR DYSTROPHY, CONGENITAL, LARGE-RELATED; MUSCULAR DYSTROPHY, CONGENITAL, TYPE 1D; MUSCULAR DYSTROPHY-DYSTROGLYCANOPATHY (CONGENITAL WITH IMPAIRED INTELLECTUAL DEVELOPMENT), TYPE B, 6. Identifiers: MedGen C1837229, MONDO:0012138, OMIM 608840.

Allele frequency attached by ClinVar (database versions not stated): gnomAD 0.03216 and 0.03456; 1000 Genomes Project 0.03375; TOPMed 0.03651; 1000 Genomes Project 30x 0.03763.
gnomAD v4.1: 7,440 of 762,890 alleles (0.98%); highest among the groups gnomAD compares: African/African-American, 11%; 375 homozygotes.

Submissions (4):

GeneDx
Classification: Benign. Last evaluated: 2018-06-30. Review status: criteria provided, single submitter. Criteria: GeneDx Variant Classification Process June 2021. Collection method: clinical testing. Allele origin: germline. Affected: yes.

Illumina Laboratory Services, Illumina
Classification: Benign for Muscular dystrophy-dystroglycanopathy (congenital with brain and eye anomalies), type A6. Last evaluated: 2018-01-13. Review status: criteria provided, single submitter. Criteria: ICSL Variant Classification Criteria 13 December 2019. Collection method: clinical testing. Allele origin: germline.
Comment: This variant was observed in the ICSL laboratory as part of a predisposition screen in an ostensibly healthy population. It had not been previously curated by ICSL or reported in the Human Gene Mutation Database (HGMD: prior to June 1st, 2018), and was therefore a candidate for classification through an automated scoring system. Utilizing variant allele frequency, disease prevalence and penetrance estimates, and inheritance mode, an automated score was calculated to assess if this variant is too frequent to cause the disease. Based on the score and internal cut-off values, a variant classified as benign is not then subjected to further curation. The score for this variant resulted in a classification of benign for this disease.

Illumina Laboratory Services, Illumina
Classification: Benign for Muscular dystrophy-dystroglycanopathy type B6. Last evaluated: 2018-01-13. Review status: criteria provided, single submitter. Criteria: ICSL Variant Classification Criteria 13 December 2019. Collection method: clinical testing. Allele origin: germline.
Comment: the same text as in the submission from Illumina Laboratory Services, Illumina above.

Breakthrough Genomics
Classification: Benign. Review status: criteria provided, single submitter. Criteria: ACMG Guidelines, 2015. Collection method: not provided. Allele origin: germline. Inheritance: Autosomal recessive inheritance. Affected: yes.

NM_133642.5(LARGE1):c.*154C>A

Gene: LARGE1 (LARGE xylosyl- and glucuronyltransferase 1; minus strand). Cytogenetic location: 22q12.3.
Variant type: single nucleotide variant.
Coding change: c.*154C>A on transcript NM_133642.5 (MANE Select); 154 bases downstream of the stop codon, C replaced by A.
Molecular consequence: 3 prime UTR variant.
Genome position (GRCh38, 1-based): chr22:33,274,273, G>T on the plus strand (C>A on the coding strand, the complement: LARGE1 is on the minus strand). VCF-style: chr22-33274273-G-T. GRCh37 (hg19) VCF-style: chr22-33670259-G-T.
Other names: c.*154C>A (NM_001362949.2, NM_001362951.2, NM_001362953.2 and 9 more transcripts).
Identifiers: ClinVar variation 341429 (VCV000341429.9), dbSNP rs73399512, ClinGen allele CA10653442.